The following is an entry in ClinVar:

NM_000548.5(TSC2):c.4662+17G>A

Gene: TSC2 (TSC complex subunit 2; plus strand). Cytogenetic location: 16p13.3.
Variant type: single nucleotide variant.
Coding change: c.4662+17G>A on transcript NM_000548.5 (MANE Select); 17 bases into the intron after coding-DNA position 4662, G replaced by A.
Molecular consequence: intron variant.
Genome position (GRCh38, 1-based): chr16:2,085,339, G>A. VCF-style: chr16-2085339-G-A. GRCh37 (hg19) VCF-style: chr16-2135340-G-A.
Other names: c.4593+17G>A (NM_001114382.3); c.4533+17G>A (NM_021055.3, NM_001370405.1); c.4464+17G>A (NM_001363528.2); c.4530+17G>A (NM_001370404.1); c.4461+17G>A (NM_001077183.3); c.4353+17G>A (NM_001318827.2); c.3930+17G>A (NM_001318831.2); c.4317+17G>A (NM_001318829.2); and 1 more.
Identifiers: ClinVar variation 49482 (VCV000049482.12), dbSNP rs45443002, ClinGen allele CA020840.

ClinVar aggregate classification (germline): Benign/Likely benign. Review status: criteria provided, multiple submitters, no conflicts (2 of 4 stars). 7 submissions from 7 submitters: Benign (1); Likely benign (5). 1 of the submissions does not count toward it. Last evaluated 2026-01-31.

Conditions:
Lymphangiomyomatosis (LAM). Also called: Lymphangioleiomyomatosis; Lymphangioleiomyomatosis, somatic. Identifiers: Orphanet 538, MedGen C0751674, MONDO:0011705, OMIM 606690.
Tuberous sclerosis 2 (TSC2). Identifiers: Orphanet 805, MedGen C1860707, MONDO:0013199, OMIM 613254.
Isolated focal cortical dysplasia type II (FCORD2). Also called: CORTICAL DYSPLASIA OF TAYLOR; Focal cortical dysplasia type II. Identifiers: Orphanet 268994, MedGen C1846385, MONDO:0011818, OMIM 607341, HP:0032051.
Tuberous sclerosis syndrome (TSC). Also called: Tuberous Sclerosis Complex; Tuberous sclerosis. Identifiers: Orphanet 805, MedGen C0041341, MONDO:0001734.

Allele frequency attached by ClinVar (database versions not stated): ExAC 0.00008; TOPMed 0.00011; ESP Exome Variant Server 0.00015; gnomAD 0.00019.
gnomAD v4.1: 143 of 1,612,144 alleles (0.0089%); highest among the groups gnomAD compares: East Asian, 0.029%; no homozygotes.

Submissions (7):

Labcorp Genetics (formerly Invitae), Labcorp
Classification: Likely benign for Tuberous sclerosis 2. Last evaluated: 2026-01-31. Review status: criteria provided, single submitter. Criteria: Invitae Variant Classification Sherloc (09022015). Collection method: clinical testing. Allele origin: germline.

Blueprint Genetics
Classification: Likely benign. Last evaluated: 2024-07-17. Review status: criteria provided, single submitter. Criteria: ACMG Guidelines, 2015. Collection method: clinical testing. Allele origin: germline.

Fulgent Genetics
Classification: Likely benign for Lymphangiomyomatosis; Isolated focal cortical dysplasia type II; Tuberous sclerosis 2. Last evaluated: 2021-12-14. Review status: criteria provided, single submitter. Criteria: ACMG Guidelines, 2015. Collection method: clinical testing. Allele origin: unknown.

Genome-Nilou Lab
Classification: Benign for Tuberous sclerosis 2. Last evaluated: 2021-11-07. Review status: criteria provided, single submitter. Criteria: ACMG Guidelines, 2015. Collection method: clinical testing. Allele origin: germline. Affected: no.

GeneDx
Classification: Likely benign. Last evaluated: 2017-04-06. Review status: criteria provided, single submitter. Criteria: GeneDx Variant Classification (06012015). Collection method: clinical testing. Allele origin: germline. Affected: yes.
Comment: This variant is considered likely benign or benign based on one or more of the following criteria: it is a conservative change, it occurs at a poorly conserved position in the protein, it is predicted to be benign by multiple in silico algorithms, and/or has population frequency not consistent with disease.

PreventionGenetics, part of Exact Sciences
Classification: Likely benign. Review status: criteria provided, single submitter. Criteria: ACMG Guidelines, 2015. Collection method: clinical testing. Allele origin: germline.

Tuberous sclerosis database (TSC2)
No classification provided. Condition: TSC. Review status: no classification provided. Criteria: Tuberous Sclerosis Database Assertion Criteria 2015. Collection method: curation. Allele origin: germline. Affected: yes. Not counted in ClinVar's aggregate classification.